The following is an entry in ClinVar:

NM_016222.4(DDX41):c.562T>C (p.Phe188Leu)

Gene: DDX41 (DEAD-box helicase 41; minus strand). Cytogenetic location: 5q35.3.
Variant type: single nucleotide variant.
Coding change: c.562T>C on transcript NM_016222.4 (MANE Select); coding-DNA position 562, T replaced by C.
Protein change: p.Phe188Leu; replaces phenylalanine 188 with leucine.
Molecular consequence: missense variant.
Genome position (GRCh38, 1-based): chr5:177,515,694, A>G on the plus strand (T>C on the coding strand, the complement: DDX41 is on the minus strand). VCF-style: chr5-177515694-A-G. GRCh37 (hg19) VCF-style: chr5-176942695-A-G.
Other names: c.184T>C, p.Phe62Leu (NM_001321732.2, NM_001321830.2); short protein forms F188L, F62L.
Identifiers: ClinVar variation 2754628 (VCV002754628.3), dbSNP rs1490572026, ClinGen allele CA362375973.

ClinVar aggregate classification (germline): Uncertain significance (1 of 4 stars; one submission).

Submission:

Labcorp Genetics (formerly Invitae), Labcorp
Classification: Uncertain significance. Last evaluated: 2023-10-10. Review status: criteria provided, single submitter. Criteria: Invitae Variant Classification Sherloc (09022015). Collection method: clinical testing. Allele origin: germline.
Comment: This sequence change replaces phenylalanine, which is neutral and non-polar, with leucine, which is neutral and non-polar, at codon 188 of the DDX41 protein (p.Phe188Leu). This variant is not present in population databases (gnomAD no frequency). This variant has not been reported in the literature in individuals affected with DDX41-related conditions. An algorithm developed to predict the effect of missense changes on protein structure and function (PolyPhen-2) suggests that this variant is likely to be tolerated. In summary, the available evidence is currently insufficient to determine the role of this variant in disease. Therefore, it has been classified as a Variant of Uncertain Significance.